The following is an entry in ClinVar:

NM_207361.6(FREM2):c.3908C>T (p.Thr1303Met)

Gene: FREM2 (FRAS1 related extracellular matrix 2; plus strand). Cytogenetic location: 13q13.3.
Variant type: single nucleotide variant.
Coding change: c.3908C>T on transcript NM_207361.6 (MANE Select); coding-DNA position 3908, C replaced by T.
Protein change: p.Thr1303Met; replaces threonine 1303 with methionine.
Molecular consequence: missense variant.
Genome position (GRCh38, 1-based): chr13:38,691,252, C>T. VCF-style: chr13-38691252-C-T. GRCh37 (hg19) VCF-style: chr13-39265389-C-T.
Other names: short protein forms T1303M.
Identifiers: ClinVar variation 882642 (VCV000882642.9), dbSNP rs138477887, ClinGen allele CA6954879.
Genomic context (GRCh38, chr13:38,691,252, plus strand): 5'-ATGGGAAGCACTCTGTGGAAAAGACGGTCCTCATTATAGTTATCCCTGTTGATGATGAGA[C>T]GCCCAGAATGACTATCAATAATGGACTAGAAATAGAAATTGGGGATACCAAGATTATCAA-3'
Protein context (NP_997244.4, residues 1293-1313): LIIVIPVDDE[Thr1303Met]PRMTINNGLE

ClinVar aggregate classification (germline): Conflicting classifications of pathogenicity. Review status: criteria provided, conflicting classifications (1 of 4 stars). 4 submissions from 4 submitters: Uncertain significance (2); Benign (1); Likely benign (1). Last evaluated 2025-05-29.

Conditions:
Fraser syndrome 2 (FRASRS2). Identifiers: MedGen C4540036, MONDO:0054738, OMIM 617666.

Allele frequency attached by ClinVar (database versions not stated): TOPMed 0.00006; ESP Exome Variant Server 0.00015; gnomAD exomes 0.00029 and 0.00065; ExAC 0.00054; gnomAD 0.00060 and 0.00063; 1000 Genomes Project 30x 0.00078; 1000 Genomes Project 0.00080.
gnomAD v4.1: 511 of 1,613,138 alleles (0.032%); highest among the groups gnomAD compares: South Asian, 0.02%; no homozygotes.

Submissions (4):

GeneDx
Classification: Uncertain significance. Last evaluated: 2025-05-29. Review status: criteria provided, single submitter. Criteria: GeneDx Variant Classification Process June 2021. Collection method: clinical testing. Allele origin: germline. Affected: yes.
Comment: In silico analysis supports that this missense variant has a deleterious effect on protein structure/function; Has not been previously published as pathogenic or benign to our knowledge

Labcorp Genetics (formerly Invitae), Labcorp
Classification: Benign. Last evaluated: 2024-10-22. Review status: criteria provided, single submitter. Criteria: Invitae Variant Classification Sherloc (09022015). Collection method: clinical testing. Allele origin: germline.

Blueprint Genetics
Classification: Likely benign. Last evaluated: 2024-07-02. Review status: criteria provided, single submitter. Criteria: ACMG Guidelines, 2015. Collection method: clinical testing. Allele origin: germline.

Illumina Laboratory Services, Illumina
Classification: Uncertain significance for Fraser syndrome 2. Last evaluated: 2018-01-12. Review status: criteria provided, single submitter. Criteria: ICSL Variant Classification Criteria 13 December 2019. Collection method: clinical testing. Allele origin: germline.